The following is an entry in ClinVar:

NM_032802.4(SPPL2A):c.1181A>G (p.Tyr394Cys)

Gene: SPPL2A (signal peptide peptidase like 2A; minus strand). Cytogenetic location: 15q21.2.
Variant type: single nucleotide variant.
Coding change: c.1181A>G on transcript NM_032802.4 (MANE Select); coding-DNA position 1181, A replaced by G.
Protein change: p.Tyr394Cys; replaces tyrosine 394 with cysteine.
Molecular consequence: missense variant.
Genome position (GRCh38, 1-based): chr15:50,725,289, T>C on the plus strand (A>G on the coding strand, the complement: SPPL2A is on the minus strand). VCF-style: chr15-50725289-T-C. GRCh37 (hg19) VCF-style: chr15-51017486-T-C.
Other names: short protein forms Y394C.
Identifiers: ClinVar variation 2471100 (VCV002471100.4), dbSNP rs764073564, ClinGen allele CA7558273.
Genomic context (GRCh38, chr15:50,725,289, plus strand): 5'-ATAATGTCTCCAAAACCCAATATTGAAACAGGCATGAGGCACACACTCATTACTGAGAAA[T>C]AGATCAGTTTTGGTACTCTGATGACTACTGGCAACTGTTCAAAAACAAAACAAAACAAAA-3'
Protein context (NP_116191.2, residues 384-404): PVVIRVPKLI[Tyr394Cys]FSVMSVCLMP

ClinVar aggregate classification (germline): Uncertain significance. Review status: criteria provided, multiple submitters, no conflicts (2 of 4 stars). 2 submissions from 2 submitters: Uncertain significance (2). Last evaluated 2024-10-02.

Allele frequency attached by ClinVar (database versions not stated): TOPMed 0.00002; gnomAD 0.00003; ExAC 0.00004; gnomAD exomes 0.00005.
gnomAD v4.1: 82 of 1,607,876 alleles (0.0051%); highest among the groups gnomAD compares: Non-Finnish European, 0.0058%; 1 homozygote.

Submissions (2):

Labcorp Genetics (formerly Invitae), Labcorp
Classification: Uncertain significance. Last evaluated: 2024-10-02. Review status: criteria provided, single submitter. Criteria: Invitae Variant Classification Sherloc (09022015). Collection method: clinical testing. Allele origin: germline.
Comment: This sequence change replaces tyrosine, which is neutral and polar, with cysteine, which is neutral and slightly polar, at codon 394 of the SPPL2A protein (p.Tyr394Cys). This variant is present in population databases (rs764073564, gnomAD 0.02%). This variant has not been reported in the literature in individuals affected with SPPL2A-related conditions. ClinVar contains an entry for this variant (Variation ID: 2471100). An algorithm developed to predict the effect of missense changes on protein structure and function outputs the following: PolyPhen-2: "Benign". The cysteine amino acid residue is found in multiple mammalian species, which suggests that this missense change does not adversely affect protein function. In summary, the available evidence is currently insufficient to determine the role of this variant in disease. Therefore, it has been classified as a Variant of Uncertain Significance.

Ambry Genetics
Classification: Uncertain significance. Last evaluated: 2023-01-23. Review status: criteria provided, single submitter. Criteria: Ambry Variant Classification Scheme 2023. Collection method: clinical testing. Allele origin: germline.